The following is an entry in ClinVar:

ClinVar aggregate classification (germline): Uncertain significance. Review status: criteria provided, multiple submitters, no conflicts (2 of 4 stars). 3 submissions from 3 submitters: Uncertain significance (3). Last evaluated 2026-02-02.

Conditions:
Inborn genetic diseases. Identifiers: MedGen C0950123, MeSH D030342.

Allele frequency attached by ClinVar (database versions not stated): gnomAD exomes 0.00005; ExAC 0.00011; ESP Exome Variant Server 0.00015; gnomAD 0.00016 and 0.00017.
gnomAD v4.1: 53 of 1,598,862 alleles (0.0033%); highest among the groups gnomAD compares: African/African-American, 0.034%; no homozygotes.

Submissions (3):

Labcorp Genetics (formerly Invitae), Labcorp
Classification: Uncertain significance. Last evaluated: 2026-02-02. Review status: criteria provided, single submitter. Criteria: Invitae Variant Classification Sherloc (09022015). Collection method: clinical testing. Allele origin: germline.
Comment: This sequence change replaces arginine, which is basic and polar, with tryptophan, which is neutral and slightly polar, at codon 429 of the COL9A3 protein (p.Arg429Trp). This variant is present in population databases (rs149288125, gnomAD 0.05%). This variant has not been reported in the literature in individuals affected with COL9A3-related conditions. ClinVar contains an entry for this variant (Variation ID: 1300865). An algorithm developed to predict the effect of missense changes on protein structure and function (PolyPhen-2) suggests that this variant is likely to be disruptive. In summary, the available evidence is currently insufficient to determine the role of this variant in disease. Therefore, it has been classified as a Variant of Uncertain Significance.

Ambry Genetics
Classification: Uncertain significance for Inborn genetic diseases. Last evaluated: 2023-12-08. Review status: criteria provided, single submitter. Criteria: Ambry Variant Classification Scheme 2023. Collection method: clinical testing. Allele origin: germline.

GeneDx
Classification: Uncertain significance. Last evaluated: 2021-09-30. Review status: criteria provided, single submitter. Criteria: GeneDx Variant Classification Process June 2021. Collection method: clinical testing. Allele origin: germline. Affected: yes.
Comment: Has not been previously published as pathogenic or benign to our knowledge; In silico analysis supports that this missense variant has a deleterious effect on protein structure/function

NM_001853.4(COL9A3):c.1285C>T (p.Arg429Trp)

Gene: COL9A3 (collagen type IX alpha 3 chain; plus strand). Cytogenetic location: 20q13.33.
Variant type: single nucleotide variant.
Coding change: c.1285C>T on transcript NM_001853.4 (MANE Select); coding-DNA position 1285, C replaced by T.
Protein change: p.Arg429Trp; replaces arginine 429 with tryptophan.
Molecular consequence: missense variant.
Genome position (GRCh38, 1-based): chr20:62,830,586, C>T. VCF-style: chr20-62830586-C-T. GRCh37 (hg19) VCF-style: chr20-61461938-C-T.
Other names: short protein forms R429W.
Identifiers: ClinVar variation 1300865 (VCV001300865.10), dbSNP rs149288125, ClinGen allele CA9949860.
Genomic context (GRCh38, chr20:62,830,586, plus strand): 5'-GGCAGCATGGGAGACCCCGGCCTTCCAGGCCCCCAGGGCCTCCGAGGTGACGTGGGCGAC[C>T]GGGTAAGTGGCCCTCTCAGCAGGAAGCTCCCCTGCACCCCCTCTACCCATGTACCACAGT-3'
Protein context (NP_001844.3, residues 419-439): PQGLRGDVGD[Arg429Trp]GPGGAAGPKG